The following is an entry in ClinVar:

NM_000051.4(ATM):c.2358C>T (p.Cys786=)

Gene: ATM (ATM serine/threonine kinase; plus strand). Cytogenetic location: 11q22.3.
Variant type: single nucleotide variant.
Coding change: c.2358C>T on transcript NM_000051.4 (MANE Select); coding-DNA position 2358, C replaced by T.
Protein change: p.Cys786=; no amino-acid change (cysteine 786 retained).
Molecular consequence: synonymous variant.
Genome position (GRCh38, 1-based): chr11:108,257,588, C>T. VCF-style: chr11-108257588-C-T. GRCh37 (hg19) VCF-style: chr11-108128315-C-T.
Other names: c.2358C>T, p.Cys786= (NM_001351834.2).
Identifiers: ClinVar variation 2453994 (VCV002453994.4), dbSNP rs2080584048, ClinGen allele CA476672763.

ClinVar aggregate classification (germline): Benign/Likely benign. Review status: criteria provided, multiple submitters, no conflicts (2 of 4 stars). 3 submissions from 3 submitters: Benign (1); Likely benign (2). Last evaluated 2025-11-05.

Conditions:
Ataxia-telangiectasia syndrome (AT). Also called: Ataxia-telangiectasia, complementation group D; AT, COMPLEMENTATION GROUP C; Cerebello-oculocutaneous telangiectasia; Immunodeficiency with ataxia telangiectasia; Ataxia-telangiectasia, complementation group E; Ataxia telangiectasia (A-T). Identifiers: Orphanet 100, MedGen C0004135, MONDO:0008840, OMIM 208900.
Hereditary cancer-predisposing syndrome. Also called: Hereditary neoplastic syndrome; Tumor predisposition; Neoplastic Syndromes, Hereditary; Hereditary Cancer Syndrome. Identifiers: Orphanet 140162, MedGen C0027672, MeSH D009386, MONDO:0015356.
Familial cancer of breast. Also called: hereditary breast carcinoma; Hereditary breast cancer; BREAST CANCER, FAMILIAL. Identifiers: Orphanet 227535, MedGen C0346153, MONDO:0016419, OMIM 114480. Disease mechanism: loss of function.

Submissions (3):

Labcorp Genetics (formerly Invitae), Labcorp
Classification: Likely benign for Ataxia-telangiectasia syndrome. Last evaluated: 2025-11-05. Review status: criteria provided, single submitter. Criteria: Invitae Variant Classification Sherloc (09022015). Collection method: clinical testing. Allele origin: germline.

Myriad Genetics, Inc.
Classification: Benign for Familial cancer of breast. Last evaluated: 2024-05-08. Review status: criteria provided, single submitter. Criteria: Myriad Autosomal Dominant, Autosomal Recessive and X-Linked Classification Criteria (2023). Collection method: clinical testing. Allele origin: unknown.
Comment: This variant is considered benign. This variant is a silent/synonymous amino acid change and it is not expected to impact splicing.

Ambry Genetics
Classification: Likely benign for Hereditary cancer-predisposing syndrome. Last evaluated: 2023-02-27. Review status: criteria provided, single submitter. Criteria: Ambry Variant Classification Scheme 2023. Collection method: clinical testing. Allele origin: germline.